The following is an entry in ClinVar:

NM_004415.4(DSP):c.3909dup (p.Glu1304Ter)

Gene: DSP (desmoplakin; plus strand). Cytogenetic location: 6p24.3.
Variant type: Duplication.
Coding change: c.3909dup on transcript NM_004415.4 (MANE Select); coding-DNA position 3909, one base duplicated (T; older notation c.3909dupT).
Protein change: p.Glu1304Ter; replaces glutamic acid 1304 with a stop codon.
Molecular consequence: nonsense. On other transcripts: intron variant (1), frameshift variant (1).
Genome position (GRCh38, 1-based): chr6:7,580,099, T duplicated. VCF-style (leftmost placement, unchanged base first): chr6-7580098-C-CT. GRCh37 (hg19) VCF-style: chr6-7580331-C-CT.
Other names: c.3909dup, p.Glu1304Ter (NM_001319034.2); c.3582+327dup (NM_001008844.3); c.3909dupT (NM_004415.2); short protein forms E1304*.
Identifiers: ClinVar variation 4015105 (VCV004015105.1).

ClinVar aggregate classification (germline): Pathogenic (1 of 4 stars; one submission).

Conditions:
Cardiovascular phenotype. Identifiers: MedGen CN230736.

Submission:

Ambry Genetics
Classification: Pathogenic for Cardiovascular phenotype. Last evaluated: 2025-05-21. Review status: criteria provided, single submitter. Criteria: Ambry Variant Classification Scheme 2023. Collection method: clinical testing. Allele origin: germline.
Comment: The c.3909dupT pathogenic mutation, located in coding exon 23 of the DSP gene, results from a duplication of T at nucleotide position 3909, causing a translational frameshift with a predicted alternate stop codon (p.E1304*). This variant was reported in individual(s) with features consistent with DSP-related cardiomyopathy (Ambry internal data). This variant is considered to be rare based on population cohorts in the Genome Aggregation Database (gnomAD). Alterations in DSP that result in haploinsufficiency or protein truncation have been reported in patients with arrhythmogenic right ventricular cardiomyopathy (ARVC) and dilated cardiomyopathy (DCM) (Fressart V et al. Europace. 2010;12(6):861-8; Elliott P et al. Circ Cardiovasc Genet. 2010;3(4):314-22; Quarta G et al. Circulation. 2011;123(23):2701-9; Garcia-Pavia P et al. Heart. 2011;97(21):1744-52; Rasmussen TB et al. Clin Genet. 2013;84(1):20-30; Pugh TJ et al. Genet Med. 2014;16(8):601-8). This alteration is expected to result in loss of function by premature protein truncation or nonsense-mediated mRNA decay. Based on the supporting evidence, this variant is interpreted as a disease-causing mutation.